The following is an entry in ClinVar:

NM_080826.2(ISM1):c.*5A>G

Genes: ISM1 (isthmin 1; plus strand), TASP1 (taspase 1; minus strand). Cytogenetic location: 20p12.1.
Variant type: single nucleotide variant.
Coding change: c.*5A>G on transcript NM_080826.2 (MANE Select); 5 bases downstream of the stop codon, A replaced by G.
Molecular consequence: 3 prime UTR variant.
Genome position (GRCh38, 1-based): chr20:13,299,464, A>G. VCF-style: chr20-13299464-A-G. GRCh37 (hg19) VCF-style: chr20-13280111-A-G.
Identifiers: ClinVar variation 3048393 (VCV003048393.2), dbSNP rs142833862, ClinGen allele CA9766437.

ClinVar aggregate classification (germline): Benign (0 of 4 stars; one submission).

Conditions:
ISM1-related disorder. Also called: ISM1-related condition.

Allele frequency attached by ClinVar (database versions not stated): gnomAD exomes 0.00040; ExAC 0.00169; gnomAD 0.00462; ESP Exome Variant Server 0.00481; TOPMed 0.00523; 1000 Genomes Project 0.00679; 1000 Genomes Project 30x 0.00796.
gnomAD v4.1: 1,318 of 1,588,530 alleles (0.083%); highest among the groups gnomAD compares: African/African-American, 1.5%; 8 homozygotes.

Submission:

PreventionGenetics, part of Exact Sciences
Classification: Benign for ISM1-related condition. Last evaluated: 2019-11-26. Review status: no assertion criteria provided. Collection method: clinical testing. Allele origin: germline.
Comment: This variant is classified as benign based on ACMG/AMP sequence variant interpretation guidelines (Richards et al. 2015 PMID: 25741868, with internal and published modifications).